The following is an entry in ClinVar:

ClinVar aggregate classification (germline): Pathogenic (1 of 4 stars; one submission).

Conditions:
Mitochondrial DNA depletion syndrome 1. Also called: POLIP SYNDROME; POLYNEUROPATHY, OPHTHALMOPLEGIA, LEUKOENCEPHALOPATHY, AND INTESTINAL PSEUDOOBSTRUCTION; Mitochondrial Neurogastrointestinal Encephalopathy Disease; MITOCHONDRIAL NEUROGASTROINTESTINAL ENCEPHALOPATHY SYNDROME, TYMP-RELATED; MNGIE, TYMP-RELATED; Mitochondrial neurogastrointestinal encephalomyopathy syndrome. Identifiers: Orphanet 298, MedGen C4551995, MONDO:0011283, OMIM 603041.

Submission:

Myriad Genetics, Inc.
Classification: Pathogenic for Mitochondrial DNA depletion syndrome 1. Last evaluated: 2026-03-19. Review status: criteria provided, single submitter. Criteria: Myriad Autosomal Dominant, Autosomal Recessive and X-Linked Classification Criteria (2023). Collection method: clinical testing. Allele origin: unknown.
Comment: NM_001953.4(TYMP):c.271del1ins9(L91Ifs*3) is expected to be pathogenic in the context of mitochondrial neurogastrointestinal encephalopathy disease. This variant is predicted to lead to an abnormal or absent protein product due to the creation of a premature termination codon in TYMP, a gene where loss-of-function variants are known to be pathogenic. Please note: this variant was assessed in the context of healthy population screening.

NM_001953.5(TYMP):c.271delinsATCTTTTAG (p.Leu91delinsIlePheTer)

Genes: TYMP (thymidine phosphorylase; minus strand), LOC130067864 (ATAC-STARR-seq lymphoblastoid active region 19325; plus strand). Cytogenetic location: 22q13.33.
Variant type: Indel.
Coding change: c.271delinsATCTTTTAG on transcript NM_001953.5 (MANE Select); coding-DNA position 271, C replaced by ATCTTTTAG.
Protein change: p.Leu91delinsIlePheTer.
Molecular consequence: nonsense.
Genome position (GRCh38, 1-based): chr22:50,529,282, G replaced by CTAAAAGAT on the plus strand (C replaced by ATCTTTTAG on the coding strand, the reverse complement: TYMP is on the minus strand). VCF-style: chr22-50529282-G-CTAAAAGAT. GRCh37 (hg19) VCF-style: chr22-50967711-G-CTAAAAGAT.
Other names: c.271delinsATCTTTTAG, p.Leu91delinsIlePheTer (NM_001113755.3, NM_001113756.3, NM_001257988.1 and 1 more transcripts).
Identifiers: ClinVar variation 5010845 (VCV005010845.1).
Genomic context (GRCh38, chr22:50,529,282, plus strand): 5'-GCTGGCGCCAGGCCTCTGGCCACTCCAGCTGCTGTCCCGACTGAGCCAGGGCCTGGGTCA[G>CTAAAAGAT]CACCGAGGTCTCCTCCAGATCCATGCCCCGAAGTCGGATGGCCATCAGCATGGCCCCTGG-3'